The following is an entry in ClinVar:

NM_000405.5(GM2A):c.517G>A (p.Val173Ile)

Gene: GM2A (ganglioside GM2 activator; plus strand). Cytogenetic location: 5q33.1.
Variant type: single nucleotide variant.
Coding change: c.517G>A on transcript NM_000405.5 (MANE Select); coding-DNA position 517, G replaced by A.
Protein change: p.Val173Ile; replaces valine 173 with isoleucine.
Molecular consequence: missense variant. On other transcripts: intron variant (1).
Genome position (GRCh38, 1-based): chr5:151,267,386, G>A. VCF-style: chr5-151267386-G-A. GRCh37 (hg19) VCF-style: chr5-150646947-G-A.
Other names: c.413-106G>A (NM_001167607.3); short protein forms V173I.
Identifiers: ClinVar variation 907560 (VCV000907560.5), dbSNP rs532003642, ClinGen allele CA3517991.

ClinVar aggregate classification (germline): Uncertain significance. Review status: criteria provided, multiple submitters, no conflicts (2 of 4 stars). 2 submissions from 2 submitters: Uncertain significance (2). Last evaluated 2022-02-20.

Conditions:
Tay-Sachs disease, variant AB. Also called: Gm2-gangliosidosis, ab variant; GM2 Activator Deficiency. Identifiers: Orphanet 309246, MedGen C0268275, MONDO:0010099, OMIM 272750.

Allele frequency attached by ClinVar (database versions not stated): gnomAD exomes 0.00005; gnomAD 0.00007 and 0.00008; TOPMed 0.00007; 1000 Genomes Project 30x 0.00016; 1000 Genomes Project 0.00020.
gnomAD v4.1: 91 of 1,614,176 alleles (0.0056%); highest among the groups gnomAD compares: East Asian, 0.053%; no homozygotes.

Submissions (2):

Labcorp Genetics (formerly Invitae), Labcorp
Classification: Uncertain significance for Tay-Sachs disease, variant AB. Last evaluated: 2022-02-20. Review status: criteria provided, single submitter. Criteria: Invitae Variant Classification Sherloc (09022015). Collection method: clinical testing. Allele origin: germline.
Comment: This sequence change replaces valine, which is neutral and non-polar, with isoleucine, which is neutral and non-polar, at codon 173 of the GM2A protein (p.Val173Ile). This variant is present in population databases (rs532003642, gnomAD 0.05%). This variant has not been reported in the literature in individuals affected with GM2A-related conditions. ClinVar contains an entry for this variant (Variation ID: 907560). Algorithms developed to predict the effect of missense changes on protein structure and function output the following: SIFT: "Tolerated"; PolyPhen-2: "Benign"; Align-GVGD: "Class C0". The isoleucine amino acid residue is found in multiple mammalian species, which suggests that this missense change does not adversely affect protein function. In summary, the available evidence is currently insufficient to determine the role of this variant in disease. Therefore, it has been classified as a Variant of Uncertain Significance.

Illumina Laboratory Services, Illumina
Classification: Uncertain significance for Tay-Sachs disease, variant AB. Last evaluated: 2018-01-12. Review status: criteria provided, single submitter. Criteria: ICSL Variant Classification Criteria 13 December 2019. Collection method: clinical testing. Allele origin: germline.